The following is an entry in ClinVar:

ClinVar aggregate classification (germline): Uncertain significance (1 of 4 stars; one submission).

Submission:

Dasa
Classification: Uncertain significance. Last evaluated: 2026-02-11. Review status: criteria provided, single submitter. Criteria: DASA Assertion Criteria. Collection method: clinical testing. Allele origin: germline.
Comment: NM_016562.4(TLR7):c.35T>G (p.Ile12Ser) is a missense variant that results in the substitution of isoleucine with serine. This variant is rare in population databases. Computational prediction algorithms are consistent with a benign effect. The currently available literature and clinical evidence are not sufficient to establish a definitive association between this variant and the reported condition. Therefore, this variant is classified as a variant of uncertain significance.

NM_016562.4(TLR7):c.35T>G (p.Ile12Ser)

Gene: TLR7 (toll like receptor 7; plus strand). Cytogenetic location: Xp22.2.
Variant type: single nucleotide variant.
Coding change: c.35T>G on transcript NM_016562.4 (MANE Select); coding-DNA position 35, T replaced by G.
Protein change: p.Ile12Ser; replaces isoleucine 12 with serine.
Molecular consequence: missense variant.
Genome position (GRCh38, 1-based): chrX:12,885,543, T>G. VCF-style: chrX-12885543-T-G. GRCh37 (hg19) VCF-style: chrX-12903662-T-G.
Other names: short protein forms I12S.
Identifiers: ClinVar variation 4882302 (VCV004882302.2).
Genomic context (GRCh38, chrX:12,885,543, plus strand): 5'-CAATGATTTGTTCTTTCTTATACTTTCAGGTGTTTCCAATGTGGACACTGAAGAGACAAA[T>G]TCTTATCCTTTTTAACATAATCCTAATTTCCAAACTCCTTGGGGCTAGATGGTTTCCTAA-3'
Protein context (NP_057646.1, residues 2-22): VFPMWTLKRQ[Ile12Ser]LILFNIILIS